The following is an entry in ClinVar:

NM_001854.4(COL11A1):c.2196+183G>A

Gene: COL11A1 (collagen type XI alpha 1 chain; minus strand). Cytogenetic location: 1p21.1.
Variant type: single nucleotide variant.
Coding change: c.2196+183G>A on transcript NM_001854.4 (MANE Select); 183 bases into the intron after coding-DNA position 2196, G replaced by A.
Molecular consequence: intron variant.
Genome position (GRCh38, 1-based): chr1:102,998,127, C>T on the plus strand (G>A on the coding strand, the complement: COL11A1 is on the minus strand). VCF-style: chr1-102998127-C-T. GRCh37 (hg19) VCF-style: chr1-103463683-C-T.
Other names: c.2079+183G>A (NM_001190709.2); c.2232+183G>A (NM_080629.3); c.1848+183G>A (NM_080630.4).
Identifiers: ClinVar variation 677836 (VCV000677836.1), dbSNP rs35150936, ClinGen allele CA10970529.
Genomic context (GRCh38, chr1:102,998,127, plus strand): 5'-AGATTCTGGGGAGGTTCTGGCTTGGAGTGCCAAATGAGTTTCCACAAAAGCCACCGTGAG[C>T]TCATTAAAGATTTTGCAATATGGAAGTGATATGATGAAAGGTATTTTAGAGAGATCAATG-3'

ClinVar aggregate classification (germline): Benign (1 of 4 stars; one submission).

Allele frequency attached by ClinVar (database versions not stated): gnomAD 0.03540 and 0.03647; TOPMed 0.03834; 1000 Genomes Project 30x 0.04872; 1000 Genomes Project 0.04992.
gnomAD v4.1: 5,504 of 151,762 alleles (3.6%); highest among the groups gnomAD compares: Middle Eastern, 9.2%; 134 homozygotes.

Submission:

GeneDx
Classification: Benign. Last evaluated: 2018-06-14. Review status: criteria provided, single submitter. Criteria: GeneDx Variant Classification (06012015). Collection method: clinical testing. Allele origin: germline. Affected: yes.
Comment: This variant is considered likely benign or benign based on one or more of the following criteria: it is a conservative change, it occurs at a poorly conserved position in the protein, it is predicted to be benign by multiple in silico algorithms, and/or has population frequency not consistent with disease.